The following is an entry in ClinVar:

NM_000214.3(JAG1):c.2698C>T (p.Arg900Ter)

Gene: JAG1 (jagged canonical Notch ligand 1; minus strand). Cytogenetic location: 20p12.2.
Variant type: single nucleotide variant.
Coding change: c.2698C>T on transcript NM_000214.3 (MANE Select); coding-DNA position 2698, C replaced by T.
Protein change: p.Arg900Ter; replaces arginine 900 with a stop codon.
Molecular consequence: nonsense.
Genome position (GRCh38, 1-based): chr20:10,641,678, G>A on the plus strand (C>T on the coding strand, the complement: JAG1 is on the minus strand). VCF-style: chr20-10641678-G-A. GRCh37 (hg19) VCF-style: chr20-10622326-G-A.
Other names: short protein forms R900*.
Identifiers: ClinVar variation 213539 (VCV000213539.14), dbSNP rs1555827789, ClinGen allele CA323731.

ClinVar aggregate classification (germline): Pathogenic. Review status: criteria provided, multiple submitters, no conflicts (2 of 4 stars). 5 submissions from 5 submitters: Pathogenic (4). 1 of the submissions does not count toward it. Last evaluated 2025-10-01.

Conditions:
JAG1-related disorder. Also called: JAG1-related condition; JAG1-related disorders.
Atypical coarctation of aorta. Also called: Midaortic syndrome. Identifiers: Orphanet 1456, MedGen C3496579, MONDO:0015446.
Alagille syndrome due to a JAG1 point mutation. Also called: JAG1-Related Alagille Syndrome; Alagille Syndrome 1; HEPATIC DUCTULAR HYPOPLASIA, SYNDROMATIC. Identifiers: Orphanet 261619, Orphanet 52, MedGen C1956125, MONDO:0016862, OMIM 118450.

Submissions (5):

3billion
Classification: Pathogenic for Alagille syndrome due to a JAG1 point mutation. Last evaluated: 2025-10-01. Review status: criteria provided, single submitter. Criteria: ACMG Guidelines, 2015. Collection method: clinical testing. Allele origin: germline. Affected: yes.
Comment: The variant is not observed in the gnomAD v4.1.0 dataset. Predicted Consequence/Location: Stop-gained (nonsense): predicted to result in a loss or disruption of normal protein function through nonsense-mediated decay (NMD) or protein truncation. Multiple pathogenic variants are reported downstream of the variant. The variant has been reported at least twice as pathogenic without evidence for the classification (ClinVar ID: VCV000213539 /PMID: 10220506). Therefore, this variant is classified as Pathogenic according to the recommendation of ACMG/AMP guideline.

GeneDx
Classification: Pathogenic. Last evaluated: 2025-02-03. Review status: criteria provided, single submitter. Criteria: GeneDx Variant Classification Process June 2021. Collection method: clinical testing. Allele origin: germline. Affected: yes.
Comment: Nonsense variant predicted to result in protein truncation or nonsense mediated decay in a gene for which loss of function is a known mechanism of disease; Not observed at significant frequency in large population cohorts (gnomAD); This variant is associated with the following publications: (PMID: 34399559, 25525159, 30074189, 34185059, 36447191, 35595280, 10220506, 29483232, 39823011)

Blueprint Genetics
Classification: Pathogenic for JAG1-related disorders. Last evaluated: 2024-11-08. Review status: criteria provided, single submitter. Criteria: ACMG Guidelines, 2015. Collection method: clinical testing. Allele origin: germline. Affected: yes. Observed: 3 variant alleles.

Labcorp Genetics (formerly Invitae), Labcorp
Classification: Pathogenic for Alagille syndrome due to a JAG1 point mutation. Last evaluated: 2022-06-13. Review status: criteria provided, single submitter. Criteria: Invitae Variant Classification Sherloc (09022015). Collection method: clinical testing. Allele origin: germline.
Comment: For these reasons, this variant has been classified as Pathogenic. ClinVar contains an entry for this variant (Variation ID: 213539). This premature translational stop signal has been observed in individual(s) with Alagille syndrome (PMID: 10220506, 30074189, 34185059). This variant is not present in population databases (gnomAD no frequency). This sequence change creates a premature translational stop signal (p.Arg900*) in the JAG1 gene. It is expected to result in an absent or disrupted protein product. Loss-of-function variants in JAG1 are known to be pathogenic (PMID: 11180599).

Yale Center for Mendelian Genomics, Yale University
Classification: Likely pathogenic for Midaortic syndrome. Last evaluated: 2018-02-26. Review status: no assertion criteria provided. Collection method: literature only. Allele origin: germline. Affected: yes. Observed: 1 heterozygote. Not counted in ClinVar's aggregate classification.

Literature cited by the submitters: PubMed 10220506 (cited by 3billion and Labcorp Genetics (formerly Invitae), Labcorp); PubMed 30074189 (cited by Labcorp Genetics (formerly Invitae), Labcorp); PubMed 34185059 (cited by Labcorp Genetics (formerly Invitae), Labcorp); PubMed 11180599 (cited by Labcorp Genetics (formerly Invitae), Labcorp); PubMed 29483232 (cited by Yale Center for Mendelian Genomics, Yale University).